The following is an entry in ClinVar:

ClinVar aggregate classification (germline): Conflicting classifications of pathogenicity. Review status: criteria provided, conflicting classifications (1 of 4 stars). 2 submissions from 2 submitters: Pathogenic (1); Uncertain significance (1). Last evaluated 2025-02-03.

Conditions:
Progressive familial intrahepatic cholestasis type 2. Identifiers: Orphanet 79304, MedGen C3489789, MONDO:0011156, OMIM 601847.

Allele frequency attached by ClinVar (database versions not stated): gnomAD exomes below 0.00001.

Submissions (2):

Broad Center for Mendelian Genomics, Broad Institute of MIT and Harvard
Classification: Uncertain significance for Progressive familial intrahepatic cholestasis type 2. Last evaluated: 2025-02-03. Review status: criteria provided, single submitter. Criteria: ACMG Guidelines, 2015. Collection method: curation. Allele origin: germline. Inheritance: Autosomal recessive inheritance.
Comment: The c.611+2dup variant in ABCB11 has not been previously reported in the literature in individuals with BSEP deficiency, but has been identified in 0.001% (1/90692) of South Asian chromosomes by the Genome Aggregation Database (gnomAD). Although this variant has been seen in the general population in a heterozygous state, its frequency is low enough to be consistent with a recessive carrier frequency. This variant has also been reported in ClinVar (Variation ID: 2687835) and has been interpreted as pathogenic by Rolfs Rare Disease Consulting (Rolfs Consulting Und Verwaltungs GmbH). Computational prediction tools and conservation analyses suggest that this variant may impact the protein, though this information is not predictive enough to determine pathogenicity. One additional pathogenic variant, predicted to induce the same splicing effect as this variant, has been reported in ClinVar as being associated with BSEP deficiency supporting that the c.611+2dup may be pathogenic (Variation ID: 1526234). In summary, while there is some suspicion for a pathogenic role, the clinical significance of this variant is uncertain. ACMG/AMP Criteria applied: PM2_supporting, PP3, PS1_moderate (Richards 2015).

Rolfs Rare Disease Consulting, Rolfs Consulting Und Verwaltungs GmbH
Classification: Pathogenic for Progressive familial intrahepatic cholestasis type 2. Last evaluated: 2021-01-01. Review status: criteria provided, single submitter. Criteria: ACMG Guidelines, 2015. Collection method: clinical testing. Allele origin: germline. Affected: yes.

NM_003742.4(ABCB11):c.611+2dup

Gene: ABCB11 (ATP binding cassette subfamily B member 11; minus strand). Cytogenetic location: 2q31.1.
Variant type: Duplication.
Coding change: c.611+2dup on transcript NM_003742.4 (MANE Select); the canonical splice donor site of the intron after coding-DNA position 611, one base duplicated (T; older notation c.611+2dupT).
Molecular consequence: splice donor variant.
Genome position (GRCh38, 1-based): chr2:168,995,347, A duplicated on the plus strand (T on the coding strand, the reverse complement: ABCB11 is on the minus strand). VCF-style (leftmost placement, unchanged base first): chr2-168995346-T-TA. GRCh37 (hg19) VCF-style: chr2-169851856-T-TA.
Identifiers: ClinVar variation 2687835 (VCV002687835.2), dbSNP rs2545453446, ClinGen allele CA2661808121.